The following is an entry in ClinVar:

NM_001379286.1(ZNF423):c.289C>T (p.Arg97Cys)

Gene: ZNF423 (zinc finger protein 423; minus strand). Cytogenetic location: 16q12.1.
Variant type: single nucleotide variant.
Coding change: c.289C>T on transcript NM_001379286.1 (MANE Select); coding-DNA position 289, C replaced by T.
Protein change: p.Arg97Cys; replaces arginine 97 with cysteine.
Molecular consequence: missense variant.
Genome position (GRCh38, 1-based): chr16:49,730,783, G>A on the plus strand (C>T on the coding strand, the complement: ZNF423 is on the minus strand). VCF-style: chr16-49730783-G-A. GRCh37 (hg19) VCF-style: chr16-49764694-G-A.
Other names: c.85C>T, p.Arg29Cys (NM_001271620.2); c.265C>T, p.Arg89Cys (NM_015069.5); short protein forms R29C, R97C, R89C.
Identifiers: ClinVar variation 1447720 (VCV001447720.6), dbSNP rs146233664, ClinGen allele CA8046922.

ClinVar aggregate classification (germline): Uncertain significance (1 of 4 stars; one submission).

Conditions:
Nephronophthisis 14 (NPHP14). Identifiers: Orphanet 2318, MedGen C3539071, MONDO:0013916, OMIM 614844.

Allele frequency attached by ClinVar (database versions not stated): ESP Exome Variant Server 0.00008.
gnomAD v4.1: 25 of 1,614,194 alleles (0.0015%); highest among the groups gnomAD compares: East Asian, 0.011%; no homozygotes.

Submission:

Labcorp Genetics (formerly Invitae), Labcorp
Classification: Uncertain significance for Nephronophthisis 14. Last evaluated: 2022-08-22. Review status: criteria provided, single submitter. Criteria: Invitae Variant Classification Sherloc (09022015). Collection method: clinical testing. Allele origin: germline.
Comment: In summary, the available evidence is currently insufficient to determine the role of this variant in disease. Therefore, it has been classified as a Variant of Uncertain Significance. Algorithms developed to predict the effect of missense changes on protein structure and function are either unavailable or do not agree on the potential impact of this missense change (SIFT: "Deleterious"; PolyPhen-2: "Possibly Damaging"; Align-GVGD: "Class C0"). ClinVar contains an entry for this variant (Variation ID: 1447720). This variant has not been reported in the literature in individuals affected with ZNF423-related conditions. This variant is present in population databases (rs146233664, gnomAD 0.01%). This sequence change replaces arginine, which is basic and polar, with cysteine, which is neutral and slightly polar, at codon 89 of the ZNF423 protein (p.Arg89Cys).